The following is an entry in ClinVar:

ClinVar aggregate classification (germline): Uncertain significance. Review status: criteria provided, multiple submitters, no conflicts (2 of 4 stars). 2 submissions from 2 submitters: Uncertain significance (2). Last evaluated 2024-05-31.

Conditions:
Inborn genetic diseases. Identifiers: MedGen C0950123, MeSH D030342.

Allele frequency attached by ClinVar (database versions not stated): TOPMed 0.00001.

Submissions (2):

Ambry Genetics
Classification: Uncertain significance for Inborn genetic diseases. Last evaluated: 2024-05-31. Review status: criteria provided, single submitter. Criteria: Ambry Variant Classification Scheme 2023. Collection method: clinical testing. Allele origin: germline.
Comment: The p.S136N variant (also known as c.407G>A), located in coding exon 6 of the ERCC2 gene, results from a G to A substitution at nucleotide position 407. The serine at codon 136 is replaced by asparagine, an amino acid with highly similar properties. This amino acid position is conserved. In addition, this alteration is predicted to be tolerated by in silico analysis. Since supporting evidence is limited at this time, the clinical significance of this alteration remains unclear.

Labcorp Genetics (formerly Invitae), Labcorp
Classification: Uncertain significance. Last evaluated: 2022-05-08. Review status: criteria provided, single submitter. Criteria: Invitae Variant Classification Sherloc (09022015). Collection method: clinical testing. Allele origin: germline.
Comment: This sequence change replaces serine, which is neutral and polar, with asparagine, which is neutral and polar, at codon 136 of the ERCC2 protein (p.Ser136Asn). This variant is not present in population databases (gnomAD no frequency). This variant has not been reported in the literature in individuals affected with ERCC2-related conditions. Algorithms developed to predict the effect of missense changes on protein structure and function (SIFT, PolyPhen-2, Align-GVGD) all suggest that this variant is likely to be tolerated. In summary, the available evidence is currently insufficient to determine the role of this variant in disease. Therefore, it has been classified as a Variant of Uncertain Significance.

NM_000400.4(ERCC2):c.407G>A (p.Ser136Asn)

Gene: ERCC2 (ERCC excision repair 2, TFIIH core complex helicase subunit; minus strand). Cytogenetic location: 19q13.32.
Variant type: single nucleotide variant.
Coding change: c.407G>A on transcript NM_000400.4 (MANE Select); coding-DNA position 407, G replaced by A.
Protein change: p.Ser136Asn; replaces serine 136 with asparagine.
Molecular consequence: missense variant.
Genome position (GRCh38, 1-based): chr19:45,365,112, C>T on the plus strand (G>A on the coding strand, the complement: ERCC2 is on the minus strand). VCF-style: chr19-45365112-C-T. GRCh37 (hg19) VCF-style: chr19-45868370-C-T.
Other names: c.335G>A, p.Ser112Asn (NM_001130867.2); short protein forms S136N, S112N.
Identifiers: ClinVar variation 1737615 (VCV001737615.5), dbSNP rs905654396, ClinGen allele CA308970172.